The following is an entry in ClinVar:

ClinVar aggregate classification (germline): Uncertain significance. Review status: criteria provided, multiple submitters, no conflicts (2 of 4 stars). 3 submissions from 3 submitters: Uncertain significance (3). Last evaluated 2025-07-25.

Conditions:
Hereditary cancer-predisposing syndrome. Also called: Hereditary neoplastic syndrome; Tumor predisposition; Hereditary Cancer Syndrome; Neoplastic Syndromes, Hereditary. Identifiers: Orphanet 140162, MedGen C0027672, MeSH D009386, MONDO:0015356.
BAP1-related tumor predisposition syndrome (TPDS1). Also called: BAP1 tumor predisposition syndrome; COMMON Syndrome; TUMOR PREDISPOSITION SYNDROME 1; Tumor susceptibility linked to germline BAP1 mutations. Identifiers: Orphanet 289539, MedGen C3280492, MONDO:0013692, OMIM 614327.

Allele frequency attached by ClinVar (database versions not stated): gnomAD exomes below 0.00001.

Submissions (3):

GeneDx
Classification: Uncertain significance. Last evaluated: 2025-07-25. Review status: criteria provided, single submitter. Criteria: GeneDx Variant Classification Process June 2021. Collection method: clinical testing. Allele origin: germline. Affected: yes.
Comment: Not observed at significant frequency in large population cohorts (gnomAD); In silico analysis suggests that this missense variant does not alter protein structure/function; Has not been previously published as pathogenic or benign to our knowledge

Ambry Genetics
Classification: Uncertain significance for Hereditary cancer-predisposing syndrome. Last evaluated: 2024-11-24. Review status: criteria provided, single submitter. Criteria: Ambry Variant Classification Scheme 2023. Collection method: clinical testing. Allele origin: germline.
Comment: The p.I239T variant (also known as c.716T>C), located in coding exon 9 of the BAP1 gene, results from a T to C substitution at nucleotide position 716. The isoleucine at codon 239 is replaced by threonine, an amino acid with similar properties. This amino acid position is conserved. In addition, this alteration is predicted to be tolerated by in silico analysis. Based on the available evidence, the clinical significance of this variant remains unclear.

Labcorp Genetics (formerly Invitae), Labcorp
Classification: Uncertain significance for BAP1-related tumor predisposition syndrome. Last evaluated: 2022-04-11. Review status: criteria provided, single submitter. Criteria: Invitae Variant Classification Sherloc (09022015). Collection method: clinical testing. Allele origin: germline.
Comment: In summary, the available evidence is currently insufficient to determine the role of this variant in disease. Therefore, it has been classified as a Variant of Uncertain Significance. Algorithms developed to predict the effect of missense changes on protein structure and function are either unavailable or do not agree on the potential impact of this missense change (SIFT: "Deleterious"; PolyPhen-2: "Benign"; Align-GVGD: "Class C0"). This variant has not been reported in the literature in individuals affected with BAP1-related conditions. This variant is not present in population databases (gnomAD no frequency). This sequence change replaces isoleucine, which is neutral and non-polar, with threonine, which is neutral and polar, at codon 239 of the BAP1 protein (p.Ile239Thr).

NM_004656.4(BAP1):c.716T>C (p.Ile239Thr)

Gene: BAP1 (BRCA1 associated deubiquitinase 1; minus strand). Cytogenetic location: 3p21.1.
Variant type: single nucleotide variant.
Coding change: c.716T>C on transcript NM_004656.4 (MANE Select); coding-DNA position 716, T replaced by C.
Protein change: p.Ile239Thr; replaces isoleucine 239 with threonine.
Molecular consequence: missense variant.
Genome position (GRCh38, 1-based): chr3:52,406,320, A>G on the plus strand (T>C on the coding strand, the complement: BAP1 is on the minus strand). VCF-style: chr3-52406320-A-G. GRCh37 (hg19) VCF-style: chr3-52440336-A-G.
Other names: c.716T>C (NM_004656.3); c.662T>C, p.Ile221Thr (NM_001410772.1); short protein forms I239T, I221T.
Identifiers: ClinVar variation 2124928 (VCV002124928.6), dbSNP rs2153227464, ClinGen allele CA353107298.